The following is an entry in ClinVar:

NM_005337.5(NCKAP1L):c.1129C>T (p.Arg377Cys)

Gene: NCKAP1L (NCK associated protein 1 like; plus strand). Cytogenetic location: 12q13.2.
Variant type: single nucleotide variant.
Coding change: c.1129C>T on transcript NM_005337.5 (MANE Select); coding-DNA position 1129, C replaced by T.
Protein change: p.Arg377Cys; replaces arginine 377 with cysteine.
Molecular consequence: missense variant.
Genome position (GRCh38, 1-based): chr12:54,517,566, C>T. VCF-style: chr12-54517566-C-T. GRCh37 (hg19) VCF-style: chr12-54911350-C-T.
Other names: c.979C>T, p.Arg327Cys (NM_001184976.2); short protein forms R327C, R377C.
Identifiers: ClinVar variation 3905708 (VCV003905708.10).

ClinVar aggregate classification (germline): Uncertain significance (1 of 4 stars; one submission).

gnomAD v4.1: 5 of 1,613,980 alleles (0.00031%); highest among the groups gnomAD compares: Non-Finnish European, 0.00042%; no homozygotes.

Submission:

CeGaT Center for Human Genetics Tuebingen
Classification: Uncertain significance. Last evaluated: 2025-05-01. Review status: criteria provided, single submitter. Criteria: CeGaT Center For Human Genetics Tuebingen Variant Classification Criteria Version 2. Collection method: clinical testing. Allele origin: germline. Affected: yes. Observed: 3 variant alleles.
Comment: NCKAP1L: PM2, PM3:Supporting, PP4